The following is an entry in ClinVar:

ClinVar aggregate classification (germline): Uncertain significance (0 of 4 stars; one submission).

Conditions:
PLXNA2-related disorder. Also called: PLXNA2-related condition.

Allele frequency attached by ClinVar (database versions not stated): gnomAD 0.00001; TOPMed 0.00001.
gnomAD v4.1: 4 of 1,614,088 alleles (0.00025%); highest among the groups gnomAD compares: Non-Finnish European, 0.00034%; no homozygotes.

Submission:

PreventionGenetics, part of Exact Sciences
Classification: Uncertain significance for PLXNA2-related condition. Last evaluated: 2024-01-04. Review status: no assertion criteria provided. Collection method: clinical testing. Allele origin: germline.
Comment: The PLXNA2 c.4445G>A variant is predicted to result in the amino acid substitution p.Arg1482His. To our knowledge, this variant has not been reported in the literature or in a large population database, indicating this variant is rare. At this time, the clinical significance of this variant is uncertain due to the absence of conclusive functional and genetic evidence.

NM_025179.4(PLXNA2):c.4445G>A (p.Arg1482His)

Gene: PLXNA2 (plexin A2; minus strand). Cytogenetic location: 1q32.2.
Variant type: single nucleotide variant.
Coding change: c.4445G>A on transcript NM_025179.4 (MANE Select); coding-DNA position 4445, G replaced by A.
Protein change: p.Arg1482His; replaces arginine 1482 with histidine.
Molecular consequence: missense variant.
Genome position (GRCh38, 1-based): chr1:208,039,676, C>T on the plus strand (G>A on the coding strand, the complement: PLXNA2 is on the minus strand). VCF-style: chr1-208039676-C-T. GRCh37 (hg19) VCF-style: chr1-208213021-C-T.
Other names: short protein forms R1482H.
Identifiers: ClinVar variation 3046445 (VCV003046445.2), dbSNP rs1435322271, ClinGen allele CA344561964.